The following is an entry in ClinVar:

ClinVar aggregate classification (germline): Uncertain significance. Review status: criteria provided, multiple submitters, no conflicts (2 of 4 stars). 2 submissions from 2 submitters: Uncertain significance (2). Last evaluated 2023-07-08.

Conditions:
Familial hemiplegic migraine. Identifiers: MedGen C0338484, MONDO:0000700.

Allele frequency attached by ClinVar (database versions not stated): ExAC 0.00001; gnomAD 0.00001; 1000 Genomes Project 30x 0.00016; 1000 Genomes Project 0.00020.
gnomAD v4.1: 1 of 1,614,236 alleles (0.000062%); highest among the groups gnomAD compares: East Asian, 0.0022%; no homozygotes.

Submissions (2):

GeneDx
Classification: Uncertain significance. Last evaluated: 2023-07-08. Review status: criteria provided, single submitter. Criteria: GeneDx Variant Classification Process June 2021. Collection method: clinical testing. Allele origin: germline. Affected: yes.
Comment: In silico analysis supports that this missense variant does not alter protein structure/function; Has not been previously published as pathogenic or benign to our knowledge; This variant is associated with the following publications: (PMID: 18184292)

Labcorp Genetics (formerly Invitae), Labcorp
Classification: Uncertain significance for Familial hemiplegic migraine. Last evaluated: 2022-04-09. Review status: criteria provided, single submitter. Criteria: Invitae Variant Classification Sherloc (09022015). Collection method: clinical testing. Allele origin: germline.
Comment: This variant is present in population databases (rs536368135, gnomAD 0.006%). In summary, the available evidence is currently insufficient to determine the role of this variant in disease. Therefore, it has been classified as a Variant of Uncertain Significance. Advanced modeling of protein sequence and biophysical properties (such as structural, functional, and spatial information, amino acid conservation, physicochemical variation, residue mobility, and thermodynamic stability) performed at Invitae indicates that this missense variant is expected to disrupt ATP1A2 protein function. This variant has not been reported in the literature in individuals affected with ATP1A2-related conditions. This sequence change replaces aspartic acid, which is acidic and polar, with histidine, which is basic and polar, at codon 533 of the ATP1A2 protein (p.Asp533His).

NM_000702.4(ATP1A2):c.1597G>C (p.Asp533His)

Gene: ATP1A2 (ATPase Na+/K+ transporting subunit alpha 2; plus strand). Cytogenetic location: 1q23.2.
Variant type: single nucleotide variant.
Coding change: c.1597G>C on transcript NM_000702.4 (MANE Select); coding-DNA position 1597, G replaced by C.
Protein change: p.Asp533His; replaces aspartic acid 533 with histidine.
Molecular consequence: missense variant.
Genome position (GRCh38, 1-based): chr1:160,130,237, G>C. VCF-style: chr1-160130237-G-C. GRCh37 (hg19) VCF-style: chr1-160100027-G-C.
Other names: short protein forms D533H.
Identifiers: ClinVar variation 2123510 (VCV002123510.5), dbSNP rs536368135, ClinGen allele CA1194536.